The following is an entry in ClinVar:

NM_006579.3(EBP):c.217G>A (p.Gly73Arg)

Gene: EBP (EBP cholestenol delta-isomerase; plus strand). Cytogenetic location: Xp11.23.
Variant type: single nucleotide variant.
Coding change: c.217G>A on transcript NM_006579.3 (MANE Select); coding-DNA position 217, G replaced by A.
Protein change: p.Gly73Arg; replaces glycine 73 with arginine.
Molecular consequence: missense variant.
Genome position (GRCh38, 1-based): chrX:48,523,988, G>A. VCF-style: chrX-48523988-G-A. GRCh37 (hg19) VCF-style: chrX-48382376-G-A.
Other names: short protein forms G73R.
Identifiers: ClinVar variation 1007001 (VCV001007001.8), dbSNP rs2061771844, ClinGen allele CA412851584.

ClinVar aggregate classification (germline): Uncertain significance (1 of 4 stars; one submission).

Submission:

Labcorp Genetics (formerly Invitae), Labcorp
Classification: Uncertain significance. Last evaluated: 2020-08-19. Review status: criteria provided, single submitter. Criteria: Invitae Variant Classification Sherloc (09022015). Collection method: clinical testing. Allele origin: germline.
Comment: This sequence change replaces glycine with arginine at codon 73 of the EBP protein (p.Gly73Arg). The glycine residue is moderately conserved and there is a moderate physicochemical difference between glycine and arginine. This variant is not present in population databases (ExAC no frequency). This variant has not been reported in the literature in individuals with EBP-related conditions. Advanced modeling of protein sequence and biophysical properties (such as structural, functional, and spatial information, amino acid conservation, physicochemical variation, residue mobility, and thermodynamic stability) performed at Invitae indicates that this missense variant is expected to disrupt EBP protein function. In summary, the available evidence is currently insufficient to determine the role of this variant in disease. Therefore, it has been classified as a Variant of Uncertain Significance.